The following is an entry in ClinVar:

ClinVar aggregate classification (germline): Pathogenic/Likely pathogenic. Review status: criteria provided, multiple submitters, no conflicts (2 of 4 stars). 2 submissions from 2 submitters: Pathogenic (1); Likely pathogenic (1). Last evaluated 2026-01-19.

Conditions:
KIAA0556-related disorders.

Submissions (2):

Labcorp Genetics (formerly Invitae), Labcorp
Classification: Pathogenic. Last evaluated: 2026-01-19. Review status: criteria provided, single submitter. Criteria: Invitae Variant Classification Sherloc (09022015). Collection method: clinical testing. Allele origin: germline.
Comment: This sequence change creates a premature translational stop signal (p.Ser270Valfs*28) in the KIAA0556 gene. It is expected to result in an absent or disrupted protein product. Loss-of-function variants in KIAA0556 are known to be pathogenic (PMID: 26714646, 27245168). This variant is present in population databases (rs773853289, gnomAD 0.005%). This premature translational stop signal has been observed in individual(s) with Joubert syndrome (PMID: 40428346). ClinVar contains an entry for this variant (Variation ID: 1982866). For these reasons, this variant has been classified as Pathogenic.

Blueprint Genetics
Classification: Likely pathogenic for KIAA0556-related disorders. Last evaluated: 2024-09-30. Review status: criteria provided, single submitter. Criteria: ACMG Guidelines, 2015. Collection method: clinical testing. Allele origin: germline. Affected: yes. Observed: 5 variant alleles.

Literature cited by the submitters: PubMed 26714646 (cited by Labcorp Genetics (formerly Invitae), Labcorp); PubMed 27245168 (cited by Labcorp Genetics (formerly Invitae), Labcorp); PubMed 40428346 (cited by Labcorp Genetics (formerly Invitae), Labcorp).

NM_015202.5(KATNIP):c.808del (p.Ser270fs)

Gene: KATNIP (katanin interacting protein; plus strand). Cytogenetic location: 16p12.1.
Variant type: Deletion.
Coding change: c.808del on transcript NM_015202.5 (MANE Select); coding-DNA position 808, one base deleted (A; older notation c.808delA).
Protein change: p.Ser270fs; shifts the reading frame from serine 270.
Molecular consequence: frameshift variant.
Genome position (GRCh38, 1-based): chr16:27,677,996, A deleted; the last of 4 consecutive A bases (chr16:27,677,993-27,677,996); deleting any one gives the same sequence. VCF-style (leftmost placement, unchanged base first): chr16-27677992-CA-C. GRCh37 (hg19) VCF-style: chr16-27689313-CA-C.
Other names: short protein forms S270fs.
Identifiers: ClinVar variation 1982866 (VCV001982866.5), dbSNP rs773853289, ClinGen allele CA7977452.